The following is an entry in ClinVar:

NM_001365276.2(TNXB):c.3770A>T (p.Glu1257Val)

Gene: TNXB (tenascin XB; minus strand). Cytogenetic location: 6p21.33.
Variant type: single nucleotide variant.
Coding change: c.3770A>T on transcript NM_001365276.2 (MANE Select); coding-DNA position 3770, A replaced by T.
Protein change: p.Glu1257Val; replaces glutamic acid 1257 with valine.
Molecular consequence: missense variant.
Genome position (GRCh38, 1-based): chr6:32,081,640, T>A on the plus strand (A>T on the coding strand, the complement: TNXB is on the minus strand). VCF-style: chr6-32081640-T-A. GRCh37 (hg19) VCF-style: chr6-32049417-T-A.
Other names: c.3770A>T, p.Glu1257Val (NM_019105.8); short protein forms E1257V.
Identifiers: ClinVar variation 1734760 (VCV001734760.4), dbSNP rs772034728, ClinGen allele CA3735103.
Genomic context (GRCh38, chr6:32,081,640, plus strand): 5'-AAGGAGTCTGGGGTCACGCCGGTCACTGTCAGTTCCCCCAGGAGGGGCTGCTCCAGGAAC[T>A]CAGGGCGGGGGGGCTCCTCTTTCCTCTCTGGAGCTGTAAACAAGGAGATCCAGCCAGGTG-3'
Protein context (NP_001352205.1, residues 1247-1267): PERKEEPPRP[Glu1257Val]FLEQPLLGEL

ClinVar aggregate classification (germline): Uncertain significance. Review status: criteria provided, multiple submitters, no conflicts (2 of 4 stars). 2 submissions from 2 submitters: Uncertain significance (2). Last evaluated 2024-08-24.

Conditions:
Cardiovascular phenotype. Identifiers: MedGen CN230736.

Allele frequency attached by ClinVar (database versions not stated): gnomAD exomes below 0.00001; ExAC 0.00003; TOPMed 0.00005; gnomAD 0.00006.
gnomAD v4.1: 12 of 1,595,572 alleles (0.00075%); highest among the groups gnomAD compares: African/African-American, 0.016%; no homozygotes.

Submissions (2):

Ambry Genetics
Classification: Uncertain significance for Cardiovascular phenotype. Last evaluated: 2024-08-24. Review status: criteria provided, single submitter. Criteria: Ambry Variant Classification Scheme 2023. Collection method: clinical testing. Allele origin: germline.
Comment: The p.E1257V variant (also known as c.3770A>T), located in coding exon 9 of the TNXB gene, results from an A to T substitution at nucleotide position 3770. The glutamic acid at codon 1257 is replaced by valine, an amino acid with dissimilar properties. This amino acid position is conserved. In addition, this alteration is predicted to be tolerated by in silico analysis. Since supporting evidence is limited at this time, the clinical significance of this alteration remains unclear.

GeneDx
Classification: Uncertain significance. Last evaluated: 2024-03-13. Review status: criteria provided, single submitter. Criteria: GeneDx Variant Classification Process June 2021. Collection method: clinical testing. Allele origin: germline. Affected: yes.
Comment: Not observed at significant frequency in large population cohorts (gnomAD); In silico analysis supports that this missense variant has a deleterious effect on protein structure/function; Has not been previously published as pathogenic or benign to our knowledge